The following is an entry in ClinVar:

ClinVar aggregate classification (germline): Uncertain significance (1 of 4 stars; one submission).

gnomAD v4.1: 48 of 1,613,372 alleles (0.003%); highest among the groups gnomAD compares: Middle Eastern, 0.017%; no homozygotes.

Submission:

Mayo Clinic Laboratories, Mayo Clinic
Classification: Uncertain significance. Last evaluated: 2025-08-18. Review status: criteria provided, single submitter. Criteria: ACMG Guidelines, 2015. Collection method: clinical testing. Allele origin: germline. Observed: 1 variant allele.
Comment: BP4_moderate

Literature cited by the submitters: PubMed 21907011; PubMed 22658323; PubMed 23092605; PubMed 23124435; PubMed 26022768; PubMed 26490695; PubMed 38590578; PubMed 39864405.

NM_198241.3(EIF4G1):c.3589C>T (p.Arg1197Trp)

Gene: EIF4G1 (eukaryotic translation initiation factor 4 gamma 1; plus strand). Cytogenetic location: 3q27.1.
Variant type: single nucleotide variant.
Coding change: c.3589C>T on transcript NM_198241.3 (MANE Select); coding-DNA position 3589, C replaced by T.
Protein change: p.Arg1197Trp; replaces arginine 1197 with tryptophan.
Molecular consequence: missense variant.
Genome position (GRCh38, 1-based): chr3:184,327,376, C>T. VCF-style: chr3-184327376-C-T. GRCh37 (hg19) VCF-style: chr3-184045164-C-T.
Other names: p.Arg1197Trp; c.3610C>T, p.Arg1204Trp (NM_001194946.2, NM_001194947.2); c.3469C>T, p.Arg1157Trp (NM_001291157.2); c.3004C>T, p.Arg1002Trp (NM_004953.5); c.3592C>T, p.Arg1198Trp (NM_182917.4); c.3097C>T, p.Arg1033Trp (NM_198242.3); c.3328C>T, p.Arg1110Trp (NM_198244.3); short protein forms R1110W, R1198W, R1033W, R1197W, R1204W, R1002W, R1157W.
Identifiers: ClinVar variation 4540954 (VCV004540954.1).